The following is an entry in ClinVar:

ClinVar aggregate classification (germline): Uncertain significance (1 of 4 stars; one submission).

Allele frequency attached by ClinVar (database versions not stated): gnomAD exomes 0.00001; ExAC 0.00002; gnomAD 0.00002; TOPMed 0.00002.
gnomAD v4.1: 9 of 1,614,062 alleles (0.00056%); highest among the groups gnomAD compares: East Asian, 0.0022%; no homozygotes.

Submission:

Labcorp Genetics (formerly Invitae), Labcorp
Classification: Uncertain significance. Last evaluated: 2022-12-07. Review status: criteria provided, single submitter. Criteria: Invitae Variant Classification Sherloc (09022015). Collection method: clinical testing. Allele origin: germline.
Comment: This sequence change replaces arginine, which is basic and polar, with cysteine, which is neutral and slightly polar, at codon 170 of the PRPF6 protein (p.Arg170Cys). This variant is present in population databases (rs755831119, gnomAD 0.002%). This variant has not been reported in the literature in individuals affected with PRPF6-related conditions. Advanced modeling of protein sequence and biophysical properties (such as structural, functional, and spatial information, amino acid conservation, physicochemical variation, residue mobility, and thermodynamic stability) performed at Invitae indicates that this missense variant is expected to disrupt PRPF6 protein function. In summary, the available evidence is currently insufficient to determine the role of this variant in disease. Therefore, it has been classified as a Variant of Uncertain Significance. ClinVar contains an entry for this variant (Variation ID: 1371844).

NM_012469.4(PRPF6):c.508C>T (p.Arg170Cys)

Gene: PRPF6 (pre-mRNA processing factor 6; plus strand). Cytogenetic location: 20q13.33.
Variant type: single nucleotide variant.
Coding change: c.508C>T on transcript NM_012469.4 (MANE Select); coding-DNA position 508, C replaced by T.
Protein change: p.Arg170Cys; replaces arginine 170 with cysteine.
Molecular consequence: missense variant.
Genome position (GRCh38, 1-based): chr20:63,994,985, C>T. VCF-style: chr20-63994985-C-T. GRCh37 (hg19) VCF-style: chr20-62626338-C-T.
Other names: short protein forms R170C.
Identifiers: ClinVar variation 1371844 (VCV001371844.8), dbSNP rs755831119, ClinGen allele CA9971922.